The following is an entry in ClinVar:

NM_004628.5(XPC):c.322_323dup (p.Ala109fs)

Gene: XPC (XPC complex subunit, DNA damage recognition and repair factor; minus strand). Cytogenetic location: 3p25.1.
Variant type: Duplication.
Coding change: c.322_323dup on transcript NM_004628.5 (MANE Select); coding-DNA positions 322 to 323, 2 bases duplicated (AA; older notation c.322_323dupAA).
Protein change: p.Ala109fs; shifts the reading frame from alanine 109.
Molecular consequence: frameshift variant. On other transcripts: 5 prime UTR variant (1), non-coding transcript variant (2).
Genome position (GRCh38, 1-based): chr3:14,170,527-14,170,528, TT duplicated on the plus strand (AA on the coding strand, the reverse complement: XPC is on the minus strand). VCF-style (leftmost placement, unchanged base first): chr3-14170526-C-CTT. GRCh37 (hg19) VCF-style: chr3-14212026-C-CTT.
Other names: c.-134_-133dup (NM_001354726.2); c.322_323dup, p.Ala109fs (NM_001354727.2, NM_001354730.2); c.304_305dup, p.Ala103fs (NM_001354729.2); short protein forms A103fs, A109fs.
Identifiers: ClinVar variation 5003272 (VCV005003272.1).

ClinVar aggregate classification (germline): Pathogenic (1 of 4 stars; one submission).

Conditions:
Xeroderma pigmentosum, group C (XPC). Also called: Xeroderma pigmentosum, complementation group C; XERODERMA PIGMENTOSUM III; XP, GROUP C; XPC-Related Xeroderma Pigmentosum. Identifiers: Orphanet 910, MedGen C2752147, MONDO:0010211, OMIM 278720.

Submission:

Myriad Genetics, Inc.
Classification: Pathogenic for Xeroderma pigmentosum, group C. Last evaluated: 2026-06-19. Review status: criteria provided, single submitter. Criteria: Myriad Autosomal Dominant, Autosomal Recessive and X-Linked Classification Criteria (2023). Collection method: clinical testing. Allele origin: unknown.
Comment: NM_004628.4(XPC):c.322_323dupAA(A109Rfs*5) is a frameshift variant classified as pathogenic in the context of xeroderma pigmentosum group C. A109Rfs*5 has been observed in a case with relevant disease (PMID: 17084680). Relevant functional assessments of this variant are not available in the literature. A109Rfs*5 has not been observed in referenced population frequency databases. In summary, NM_004628.4(XPC):c.322_323dupAA(A109Rfs*5) is a frameshift variant in a gene where loss of function is a known mechanism of disease, is predicted to disrupt protein function, and has been observed more frequently in cases with the relevant disease than in healthy populations. Please note: this variant was assessed in the context of healthy population screening.

Literature cited by the submitters: PubMed 17084680.